The following is an entry in ClinVar:

NM_000431.4(MVK):c.632-2A>C

Gene: MVK (mevalonate kinase; plus strand). Cytogenetic location: 12q24.11.
Variant type: single nucleotide variant.
Coding change: c.632-2A>C on transcript NM_000431.4 (MANE Select); the canonical splice acceptor site of the intron before coding-DNA position 632, A replaced by C.
Molecular consequence: splice acceptor variant.
Genome position (GRCh38, 1-based): chr12:109,586,752, A>C. VCF-style: chr12-109586752-A-C. GRCh37 (hg19) VCF-style: chr12-110024557-A-C.
Other names: c.632-2A>C (NM_001414511.1, NM_001414512.1, NM_001414513.1 and 1 more transcripts); c.476-2A>C (NM_001414514.1, NM_001301182.2); c.50-2A>C (NM_001414515.1).
Identifiers: ClinVar variation 2033869 (VCV002033869.4), dbSNP rs2548631795, ClinGen allele CA386648120.

ClinVar aggregate classification (germline): Likely pathogenic (1 of 4 stars; one submission).

Conditions:
Porokeratosis 3, disseminated superficial actinic type (POROK3). Also called: POROKERATOSIS, DISSEMINATED SUPERFICIAL ACTINIC, 1; POROKERATOSIS 3, MULTIPLE TYPES; POROKERATOSIS 3, MIBELLI TYPE. Identifiers: MedGen C1867981, MONDO:0008293, OMIM 175900.
Mevalonic aciduria (MEVA). Identifiers: Orphanet 29, MedGen C1959626, MONDO:0012481, OMIM 610377.
Hyperimmunoglobulin D with periodic fever (HIDS). Also called: Hyperimmunoglobulinemia D with periodic fever; HYPERIMMUNOGLOBULINEMIA D AND PERIODIC FEVER SYNDROME; Hyperimmunoglobulinemia D. Identifiers: Orphanet 343, MedGen C0398691, MONDO:0009849, OMIM 260920.

Submission:

Labcorp Genetics (formerly Invitae), Labcorp
Classification: Likely pathogenic for Mevalonic aciduria; Hyperimmunoglobulin D with periodic fever; Porokeratosis 3, disseminated superficial actinic type. Last evaluated: 2022-10-03. Review status: criteria provided, single submitter. Criteria: Invitae Variant Classification Sherloc (09022015). Collection method: clinical testing. Allele origin: germline.
Comment: This sequence change affects an acceptor splice site in intron 6 of the MVK gene. It is expected to disrupt RNA splicing. Variants that disrupt the donor or acceptor splice site typically lead to a loss of protein function (PMID: 16199547), and loss-of-function variants in MVK are known to be pathogenic (PMID: 16835861, 17105862, 23834120). This variant is not present in population databases (gnomAD no frequency). This variant has not been reported in the literature in individuals affected with MVK-related conditions. Algorithms developed to predict the effect of sequence changes on RNA splicing suggest that this variant may disrupt the consensus splice site. In summary, the currently available evidence indicates that the variant is pathogenic, but additional data are needed to prove that conclusively. Therefore, this variant has been classified as Likely Pathogenic.

Literature cited by the submitters: PubMed 16199547; PubMed 16835861; PubMed 17105862; PubMed 23834120.